The following is an entry in ClinVar:

NM_004385.5(VCAN):c.3448T>G (p.Phe1150Val)

Gene: VCAN (versican; plus strand). Cytogenetic location: 5q14.3.
Variant type: single nucleotide variant.
Coding change: c.3448T>G on transcript NM_004385.5 (MANE Select); coding-DNA position 3448, T replaced by G.
Protein change: p.Phe1150Val; replaces phenylalanine 1150 with valine.
Molecular consequence: missense variant. On other transcripts: intron variant (2).
Genome position (GRCh38, 1-based): chr5:83,521,754, T>G. VCF-style: chr5-83521754-T-G. GRCh37 (hg19) VCF-style: chr5-82817573-T-G.
Other names: c.3448T>G, p.Phe1150Val (NM_001164098.2); c.1042+9358T>G (NM_001164097.2, NM_001126336.3); short protein forms F1150V.
Identifiers: ClinVar variation 1715341 (VCV001715341.5), dbSNP rs2479058030, ClinGen allele CA360306075.

ClinVar aggregate classification (germline): Uncertain significance (1 of 4 stars; one submission).

Submission:

Labcorp Genetics (formerly Invitae), Labcorp
Classification: Uncertain significance. Last evaluated: 2023-11-03. Review status: criteria provided, single submitter. Criteria: Invitae Variant Classification Sherloc (09022015). Collection method: clinical testing. Allele origin: germline.
Comment: This sequence change replaces phenylalanine, which is neutral and non-polar, with valine, which is neutral and non-polar, at codon 1150 of the VCAN protein (p.Phe1150Val). This variant is not present in population databases (gnomAD no frequency). This variant has not been reported in the literature in individuals affected with VCAN-related conditions. ClinVar contains an entry for this variant (Variation ID: 1715341). Algorithms developed to predict the effect of missense changes on protein structure and function output the following: SIFT: "Not Available"; PolyPhen-2: "Benign"; Align-GVGD: "Not Available". The valine amino acid residue is found in multiple mammalian species, which suggests that this missense change does not adversely affect protein function. In summary, the available evidence is currently insufficient to determine the role of this variant in disease. Therefore, it has been classified as a Variant of Uncertain Significance.